The following is an entry in ClinVar:

ClinVar aggregate classification (germline): Uncertain significance (1 of 4 stars; one submission).

Submission:

GeneDx
Classification: Uncertain significance. Last evaluated: 2026-03-26. Review status: criteria provided, single submitter. Criteria: GeneDx Variant Classification Process June 2021. Collection method: clinical testing. Allele origin: germline.
Comment: Not observed at significant frequency in large population cohorts (gnomAD); In silico analysis supports that this missense variant has a deleterious effect on protein structure/function; Has not been previously published as pathogenic or benign to our knowledge

NM_001375524.1(TRRAP):c.7646T>A (p.Val2549Asp)

Gene: TRRAP (transformation/transcription domain associated protein; plus strand). Cytogenetic location: 7q22.1.
Variant type: single nucleotide variant.
Coding change: c.7646T>A on transcript NM_001375524.1 (MANE Select); coding-DNA position 7646, T replaced by A.
Protein change: p.Val2549Asp; replaces valine 2549 with aspartic acid.
Molecular consequence: missense variant.
Genome position (GRCh38, 1-based): chr7:98,970,245, T>A. VCF-style: chr7-98970245-T-A. GRCh37 (hg19) VCF-style: chr7-98567868-T-A.
Other names: c.7625T>A, p.Val2542Asp (NM_001244580.2); c.7571T>A, p.Val2524Asp (NM_003496.4); short protein forms V2524D, V2542D, V2549D.
Identifiers: ClinVar variation 5017649 (VCV005017649.1).
Genomic context (GRCh38, chr7:98,970,245, plus strand): 5'-CCAACGTCATCAACCTGGCCGATAGCCACGACCGTGCCGCCTTCGCCATGGTCACACATG[T>A]CAAGCAGGAGCCCCGGGAGCGGGAGAACAGCGAGTCCAAAGAGGAGGTGAGGCCCTGCAC-3'
Protein context (NP_001362453.1, residues 2539-2559): DRAAFAMVTH[Val2549Asp]KQEPRERENS